The following is an entry in ClinVar:

ClinVar aggregate classification (germline): Uncertain significance (1 of 4 stars; one submission).

Allele frequency attached by ClinVar (database versions not stated): gnomAD exomes 0.00002.
gnomAD v4.1: 16 of 1,198,229 alleles (0.0013%); highest among the groups gnomAD compares: East Asian, 0.003%; no homozygotes.

Submission:

Labcorp Genetics (formerly Invitae), Labcorp
Classification: Uncertain significance. Last evaluated: 2022-08-09. Review status: criteria provided, single submitter. Criteria: Invitae Variant Classification Sherloc (09022015). Collection method: clinical testing. Allele origin: germline.
Comment: In summary, the available evidence is currently insufficient to determine the role of this variant in disease. Therefore, it has been classified as a Variant of Uncertain Significance. Algorithms developed to predict the effect of missense changes on protein structure and function output the following: SIFT: "Tolerated"; PolyPhen-2: "Benign"; Align-GVGD: "Class C0". The isoleucine amino acid residue is found in multiple mammalian species, which suggests that this missense change does not adversely affect protein function. This variant has not been reported in the literature in individuals affected with GPR143-related conditions. The frequency data for this variant in the population databases is considered unreliable, as metrics indicate poor data quality at this position in the gnomAD database. This sequence change replaces valine, which is neutral and non-polar, with isoleucine, which is neutral and non-polar, at codon 102 of the GPR143 protein (p.Val102Ile).

NM_000273.3(GPR143):c.304G>A (p.Val102Ile)

Gene: GPR143 (G protein-coupled receptor 143; minus strand). Cytogenetic location: Xp22.2.
Variant type: single nucleotide variant.
Coding change: c.304G>A on transcript NM_000273.3 (MANE Select); coding-DNA position 304, G replaced by A.
Protein change: p.Val102Ile; replaces valine 102 with isoleucine.
Molecular consequence: missense variant.
Genome position (GRCh38, 1-based): chrX:9,760,773, C>T on the plus strand (G>A on the coding strand, the complement: GPR143 is on the minus strand). VCF-style: chrX-9760773-C-T. GRCh37 (hg19) VCF-style: chrX-9728813-C-T.
Other names: short protein forms V102I.
Identifiers: ClinVar variation 1938153 (VCV001938153.5), dbSNP rs1309522047, ClinGen allele CA411999144.